The following is an entry in ClinVar:

NM_144997.7(FLCN):c.871+51G>A

Gene: FLCN (folliculin; minus strand). Cytogenetic location: 17p11.2.
Variant type: single nucleotide variant.
Coding change: c.871+51G>A on transcript NM_144997.7 (MANE Select); 51 bases into the intron after coding-DNA position 871, G replaced by A.
Molecular consequence: intron variant. On other transcripts: missense variant (1).
Genome position (GRCh38, 1-based): chr17:17,221,486, C>T on the plus strand (G>A on the coding strand, the complement: FLCN is on the minus strand). VCF-style: chr17-17221486-C-T. GRCh37 (hg19) VCF-style: chr17-17124800-C-T.
Other names: c.922G>A, p.Gly308Ser (NM_144606.7); c.871+51G>A (NM_001353231.2, NM_001353230.2); c.925+51G>A (NM_001353229.2); short protein forms G308S.
Identifiers: ClinVar variation 4852106 (VCV004852106.1), dbSNP rs148567904.

ClinVar aggregate classification (germline): Uncertain significance (1 of 4 stars; one submission).

Conditions:
Birt-Hogg-Dube syndrome. Also called: Birt Hogg Dubé syndrome. Identifiers: Orphanet 122, MedGen C0346010, MONDO:0800444.

gnomAD v4.1: 17 of 1,613,884 alleles (0.0011%); highest among the groups gnomAD compares: Admixed American, 0.012%; no homozygotes.

Submission:

Otogenetics
Classification: Uncertain significance for Birt-Hogg-Dube syndrome. Last evaluated: 2026-04-16. Review status: criteria provided, single submitter. Criteria: ACMG Guidelines, 2015. Collection method: clinical testing. Allele origin: germline.
Comment: PM2: Maximum gnomAD MAF of 0.0201% in African (AFR) subpopulation (<0.05% threshold)